The following is an entry in ClinVar:

NM_031220.4(PITPNM3):c.2045G>A (p.Arg682His)

Gene: PITPNM3 (PITPNM family member 3; minus strand). Cytogenetic location: 17p13.2.
Variant type: single nucleotide variant.
Coding change: c.2045G>A on transcript NM_031220.4 (MANE Select); coding-DNA position 2045, G replaced by A.
Protein change: p.Arg682His; replaces arginine 682 with histidine.
Molecular consequence: missense variant.
Genome position (GRCh38, 1-based): chr17:6,464,281, C>T on the plus strand (G>A on the coding strand, the complement: PITPNM3 is on the minus strand). VCF-style: chr17-6464281-C-T. GRCh37 (hg19) VCF-style: chr17-6367601-C-T.
Other names: c.1937G>A, p.Arg646His (NM_001165966.2); short protein forms R646H, R682H.
Identifiers: ClinVar variation 1044353 (VCV001044353.9), dbSNP rs759141007, ClinGen allele CA8329290.

ClinVar aggregate classification (germline): Uncertain significance (1 of 4 stars; one submission).

Allele frequency attached by ClinVar (database versions not stated): TOPMed 0.00002.
gnomAD v4.1: 12 of 1,614,016 alleles (0.00074%); highest among the groups gnomAD compares: Middle Eastern, 0.066%; no homozygotes.

Submission:

Labcorp Genetics (formerly Invitae), Labcorp
Classification: Uncertain significance. Last evaluated: 2021-04-23. Review status: criteria provided, single submitter. Criteria: Invitae Variant Classification Sherloc (09022015). Collection method: clinical testing. Allele origin: germline.
Comment: In summary, the available evidence is currently insufficient to determine the role of this variant in disease. Therefore, it has been classified as a Variant of Uncertain Significance. Algorithms developed to predict the effect of missense changes on protein structure and function are either unavailable or do not agree on the potential impact of this missense change (SIFT: "Deleterious"; PolyPhen-2: "Benign"; Align-GVGD: "Class C0"). This variant has been observed in individual(s) with clinical features of PITPNM3-related conditions (Invitae). This variant is present in population databases (rs759141007, ExAC 0.002%). This sequence change replaces arginine with histidine at codon 682 of the PITPNM3 protein (p.Arg682His). The arginine residue is highly conserved and there is a small physicochemical difference between arginine and histidine.